The following is an entry in ClinVar:

ClinVar aggregate classification (germline): Pathogenic. Review status: criteria provided, multiple submitters, no conflicts (2 of 4 stars). 2 submissions from 2 submitters: Pathogenic (2). Last evaluated 2022-09-05.

Conditions:
Cystic fibrosis (CF). Also called: MUCOVISCIDOSIS. Identifiers: Orphanet 586, MedGen C0010674, MONDO:0009061, OMIM 219700. Disease mechanism: loss of function.

Submissions (2):

Institute of Human Genetics, University of Leipzig Medical Center
Classification: Pathogenic for Cystic fibrosis. Last evaluated: 2022-09-05. Review status: criteria provided, single submitter. Criteria: ACMG Guidelines, 2015. Collection method: curation. Allele origin: unknown. Affected: yes. Observed: 2 variant alleles.
Comment: This variant was identified in 2 unrelated patients with a clinically confirmed diagnosis of cystic fibrosis. The variant was classified in the context of a project re-classifying variants in the German Cystic Fibrosis Registry (Muko.e.V.). Criteria applied: PVS1, PM2_SUP, PP4

CFTR-France
Classification: Pathogenic for cystic fibrosis. Last evaluated: 2018-01-29. Review status: criteria provided, single submitter. Criteria: Claustres M et al. (Hum Mutat 2017). Collection method: curation. Allele origin: germline. Affected: yes.

NM_000492.4(CFTR):c.3838C>T (p.Gln1280Ter)

Genes: CFTR (CF transmembrane conductance regulator; plus strand), CFTR-AS2 (CFTR antisense RNA 2; minus strand). Cytogenetic location: 7q31.2.
Variant type: single nucleotide variant.
Coding change: c.3838C>T on transcript NM_000492.4 (MANE Select); coding-DNA position 3838, C replaced by T.
Protein change: p.Gln1280Ter; replaces glutamine 1280 with a stop codon.
Molecular consequence: nonsense.
Genome position (GRCh38, 1-based): chr7:117,642,558, C>T. VCF-style: chr7-117642558-C-T. GRCh37 (hg19) VCF-style: chr7-117282612-C-T.
Other names: Q1280X; short protein forms Q1280*.
Identifiers: ClinVar variation 818125 (VCV000818125.2), dbSNP rs1584837173, ClinGen allele CA368975391.